The following is an entry in ClinVar:

ClinVar aggregate classification (germline): Likely pathogenic. Review status: criteria provided, multiple submitters, no conflicts (2 of 4 stars). 2 submissions from 2 submitters: Likely pathogenic (2). Last evaluated 2026-04-09.

Conditions:
Atypical hemolytic-uremic syndrome. Identifiers: Orphanet 2134, MedGen C2931788, MONDO:0016244.

Submissions (2):

Dasa
Classification: Likely pathogenic. Last evaluated: 2026-04-09. Review status: criteria provided, single submitter. Criteria: DASA Assertion Criteria. Collection method: clinical testing. Allele origin: germline.
Comment: NM_000064.4(C3):c.3100T>A (p.Trp1034Arg) is a missense variant that results in the substitution of tryptophan with arginine. This variant results in the same amino acid change as a previously established pathogenic variant. This variant has been reported in individuals with C3-related disorders (PMID: 26283675). Also, this variant is absent from population databases. Computational evidence supports a deleterious effect. Based on the currently available evidence, this variant is classified as likely pathogenic.

Genomenon, Inc
Classification: Likely pathogenic for Atypical hemolytic-uremic syndrome. Last evaluated: 2025-09-30. Review status: criteria provided, single submitter. Criteria: Genomenon Sequence Variant Interpretation Standards. Collection method: curation. Allele origin: germline. Affected: no.
Comment: C3 p.Trp1034Arg (c.3100T>A) is a missense variant that changes the amino acid at residue 1034 from Tryptophan to Arginine. This variant has been reported in the published literature (PMID:26283675). Functional studies have been reported; however, the significance of the findings remain unclear (PMID:25608561). It is absent or not present at a significant frequency in gnomAD. In silico models agree that this variant is possibly or probably damaging. Another cDNA variant that causes the same protein consequence has been determined to be pathogenic/likely pathogenic. In conclusion, we classify C3 p.Trp1034Arg (c.3100T>A) as a likely pathogenic variant.

Literature cited by the submitters: PubMed 26283675 (cited by Dasa and Genomenon, Inc); PubMed 25608561 (cited by Genomenon, Inc).

NM_000064.4(C3):c.3100T>A (p.Trp1034Arg)

Gene: C3 (complement C3; minus strand). Cytogenetic location: 19p13.3.
Variant type: single nucleotide variant.
Coding change: c.3100T>A on transcript NM_000064.4 (MANE Select); coding-DNA position 3100, T replaced by A.
Protein change: p.Trp1034Arg; replaces tryptophan 1034 with arginine.
Molecular consequence: missense variant.
Genome position (GRCh38, 1-based): chr19:6,694,485, A>T on the plus strand (T>A on the coding strand, the complement: C3 is on the minus strand). VCF-style: chr19-6694485-A-T. GRCh37 (hg19) VCF-style: chr19-6694496-A-T.
Other names: short protein forms W1034R.
Identifiers: ClinVar variation 4280183 (VCV004280183.3).
Genomic context (GRCh38, chr19:6,694,485, plus strand): 5'-GCCCACCCTTCTTGATGAGCTCCAAGGCCCCCTGCCGCTTCTCTAGGCCGAACTTCTCCC[A>T]CTGCTCCGTTTCATCCAGGTAATGCACAGCGATGACCGTGGGCGTCATGCCGATCATGTT-3'
Protein context (NP_000055.2, residues 1024-1044): AVHYLDETEQ[Trp1034Arg]EKFGLEKRQG